The following is an entry in ClinVar:

ClinVar aggregate classification (germline): Likely benign. Review status: criteria provided, single submitter (1 of 4 stars). 2 submissions from 2 submitters: Likely benign (1). 1 of the submissions does not count toward it. Last evaluated 2023-11-18.

Conditions:
PCNT-related disorder. Also called: PCNT-related condition.

Allele frequency attached by ClinVar (database versions not stated): gnomAD exomes 0.00001 and 0.00005; gnomAD 0.00004 and 0.00005; TOPMed 0.00006; ExAC 0.00008; ESP Exome Variant Server 0.00015; 1000 Genomes Project 0.00040; 1000 Genomes Project 30x 0.00047.
gnomAD v4.1: 26 of 1,613,492 alleles (0.0016%); highest among the groups gnomAD compares: Middle Eastern, 0.017%; no homozygotes.

Submissions (2):

Labcorp Genetics (formerly Invitae), Labcorp
Classification: Likely benign. Last evaluated: 2023-11-18. Review status: criteria provided, single submitter. Criteria: Invitae Variant Classification Sherloc (09022015). Collection method: clinical testing. Allele origin: germline.

PreventionGenetics, part of Exact Sciences
Classification: Likely benign for PCNT-related condition. Last evaluated: 2023-02-20. Review status: no assertion criteria provided. Collection method: clinical testing. Allele origin: germline. Not counted in ClinVar's aggregate classification.
Comment: This variant is classified as likely benign based on ACMG/AMP sequence variant interpretation guidelines (Richards et al. 2015 PMID: 25741868, with internal and published modifications).

NM_006031.6(PCNT):c.3528C>T (p.Ala1176=)

Gene: PCNT (pericentrin; plus strand). Cytogenetic location: 21q22.3.
Variant type: single nucleotide variant.
Coding change: c.3528C>T on transcript NM_006031.6 (MANE Select); coding-DNA position 3528, C replaced by T.
Protein change: p.Ala1176=; no amino-acid change (alanine 1176 retained).
Molecular consequence: synonymous variant.
Genome position (GRCh38, 1-based): chr21:46,388,805, C>T. VCF-style: chr21-46388805-C-T. GRCh37 (hg19) VCF-style: chr21-47808720-C-T.
Other names: c.3174C>T, p.Ala1058= (NM_001315529.2); c.3528C>T (NM_006031.5).
Identifiers: ClinVar variation 1636654 (VCV001636654.10), dbSNP rs146928526, ClinGen allele CA10079343.